The following is an entry in ClinVar:

ClinVar aggregate classification (germline): Likely benign (1 of 4 stars; one submission).

Allele frequency attached by ClinVar (database versions not stated): ExAC 0.00001; gnomAD 0.00005; TOPMed 0.00008.

Submission:

CeGaT Center for Human Genetics Tuebingen
Classification: Likely benign. Last evaluated: 2024-06-01. Review status: criteria provided, single submitter. Criteria: CeGaT Center For Human Genetics Tuebingen Variant Classification Criteria Version 2. Collection method: clinical testing. Allele origin: germline. Affected: yes. Observed: 1 variant allele.
Comment: EMILIN1: BP4

NM_007046.4(EMILIN1):c.1571C>T (p.Ala524Val)

Gene: EMILIN1 (elastin microfibril interfacer 1; plus strand). Cytogenetic location: 2p23.3.
Variant type: single nucleotide variant.
Coding change: c.1571C>T on transcript NM_007046.4 (MANE Select); coding-DNA position 1571, C replaced by T.
Protein change: p.Ala524Val; replaces alanine 524 with valine.
Molecular consequence: missense variant.
Genome position (GRCh38, 1-based): chr2:27,083,142, C>T. VCF-style: chr2-27083142-C-T. GRCh37 (hg19) VCF-style: chr2-27306010-C-T.
Other names: short protein forms A524V.
Identifiers: ClinVar variation 3250645 (VCV003250645.18), dbSNP rs773984791.